The following is an entry in ClinVar:

ClinVar aggregate classification (germline): Pathogenic (1 of 4 stars; one submission).

Conditions:
Familial thoracic aortic aneurysm and aortic dissection (TAAD). Also called: Thoracic aortic aneurysms and dissections. Identifiers: Orphanet 91387, MedGen C4707243, MONDO:0019625.

Submission:

Ambry Genetics
Classification: Pathogenic for Familial thoracic aortic aneurysm and aortic dissection. Last evaluated: 2021-12-06. Review status: criteria provided, single submitter. Criteria: Ambry Variant Classification Scheme 2023. Collection method: clinical testing. Allele origin: germline.
Comment: The p.C1491S variant (also known as c.4471T>A), located in coding exon 36 of the FBN1 gene, results from a T to A substitution at nucleotide position 4471. The cysteine at codon 1491 is replaced by serine, an amino acid with dissimilar properties. Based on internal structural assessment, this alteration eliminates a structurally critical disulfide bond in the structurally sensitive cbEGF domain #22. The majority of FBN1 mutations identified to date have involved the substitution or generation of cysteine residues within cbEGF domains (Vollbrandt T et al. J Biol Chem. 2004;279(31):32924-32931). This variant is considered to be rare based on population cohorts in the Genome Aggregation Database (gnomAD). This amino acid position is highly conserved in available vertebrate species. In addition, this alteration is predicted to be deleterious by in silico analysis. Based on the supporting evidence, this alteration is interpreted as a disease-causing mutation.

NM_000138.5(FBN1):c.4471T>A (p.Cys1491Ser)

Gene: FBN1 (fibrillin 1; minus strand). Cytogenetic location: 15q21.1.
Variant type: single nucleotide variant.
Coding change: c.4471T>A on transcript NM_000138.5 (MANE Select); coding-DNA position 4471, T replaced by A.
Protein change: p.Cys1491Ser; replaces cysteine 1491 with serine.
Molecular consequence: missense variant.
Genome position (GRCh38, 1-based): chr15:48,468,523, A>T on the plus strand (T>A on the coding strand, the complement: FBN1 is on the minus strand). VCF-style: chr15-48468523-A-T. GRCh37 (hg19) VCF-style: chr15-48760720-A-T.
Other names: c.4471T>A, p.Cys1491Ser (NM_001406716.1); short protein forms C1491S.
Identifiers: ClinVar variation 1740838 (VCV001740838.2), dbSNP rs2141273081, ClinGen allele CA392353811.